The following is an entry in ClinVar:

ClinVar aggregate classification (germline): Benign. Review status: criteria provided, multiple submitters, no conflicts (2 of 4 stars). 3 submissions from 3 submitters: Benign (2). 1 of the submissions does not count toward it. Last evaluated 2019-01-25.

Conditions:
Monogenic diabetes. Identifiers: Orphanet 183625, MedGen C3888631, MONDO:0015967.
PPP1R3A-related disorder. Also called: PPP1R3A-related condition.

Allele frequency attached by ClinVar (database versions not stated): gnomAD exomes 0.00292; ExAC 0.00335; gnomAD 0.00945 and 0.01000; ESP Exome Variant Server 0.01099; TOPMed 0.01157; 1000 Genomes Project 0.01258; 1000 Genomes Project 30x 0.01312.
gnomAD v4.1: 3,200 of 1,613,574 alleles (0.2%); highest among the groups gnomAD compares: African/African-American, 3.2%; 46 homozygotes.

Submissions (3):

Personalized Diabetes Medicine Program, University of Maryland School of Medicine
Classification: Benign for Monogenic diabetes. Last evaluated: 2019-01-25. Review status: criteria provided, single submitter. Criteria: ACMG Guidelines, 2015. Collection method: research. Allele origin: unknown. Observed: 4 variant alleles, 3 heterozygotes, 1 homozygote.
Comment: ACMG criteria: BP4 (REVEL 0.047 + 8 predictors), BA1 (3% in gnomAD African population), BS2 (12 total homozygotes in gnomAD)=benign

Breakthrough Genomics
Classification: Benign. Review status: criteria provided, single submitter. Criteria: ACMG Guidelines, 2015. Collection method: not provided. Allele origin: germline. Inheritance: Autosomal dominant inheritance. Affected: yes.

PreventionGenetics, part of Exact Sciences
Classification: Benign for PPP1R3A-related condition. Last evaluated: 2019-03-14. Review status: no assertion criteria provided. Collection method: clinical testing. Allele origin: germline. Not counted in ClinVar's aggregate classification.
Comment: This variant is classified as benign based on ACMG/AMP sequence variant interpretation guidelines (Richards et al. 2015 PMID: 25741868, with internal and published modifications).

NM_002711.4(PPP1R3A):c.1183T>G (p.Ser395Ala)

Gene: PPP1R3A (protein phosphatase 1 regulatory subunit 3A; minus strand). Cytogenetic location: 7q31.1.
Variant type: single nucleotide variant.
Coding change: c.1183T>G on transcript NM_002711.4 (MANE Select); coding-DNA position 1183, T replaced by G.
Protein change: p.Ser395Ala; replaces serine 395 with alanine.
Molecular consequence: missense variant.
Genome position (GRCh38, 1-based): chr7:113,879,909, A>C on the plus strand (T>G on the coding strand, the complement: PPP1R3A is on the minus strand). VCF-style: chr7-113879909-A-C. GRCh37 (hg19) VCF-style: chr7-113519964-A-C.
Other names: c.1183T>G (NM_002711.3); short protein forms S395A.
Identifiers: ClinVar variation 917452 (VCV000917452.5), dbSNP rs62001864, ClinGen allele CA4445308.